The following is an entry in ClinVar:

NM_020207.7(ERCC6L2):c.581C>A (p.Ser194Tyr)

Gene: ERCC6L2 (ERCC excision repair 6 like 2; plus strand). Cytogenetic location: 9q22.32.
Variant type: single nucleotide variant.
Coding change: c.581C>A on transcript NM_020207.7 (MANE Select); coding-DNA position 581, C replaced by A.
Protein change: p.Ser194Tyr; replaces serine 194 with tyrosine.
Molecular consequence: missense variant. On other transcripts: non-coding transcript variant (1).
Genome position (GRCh38, 1-based): chr9:95,897,958, C>A. VCF-style: chr9-95897958-C-A. GRCh37 (hg19) VCF-style: chr9-98660240-C-A.
Other names: c.581C>A, p.Ser194Tyr (NM_001010895.4, NM_001375291.1, NM_001375292.1 and 2 more transcripts); short protein forms S194Y.
Identifiers: ClinVar variation 4019327 (VCV004019327.1).

ClinVar aggregate classification (germline): Uncertain significance (1 of 4 stars; one submission).

Conditions:
Inborn genetic diseases. Identifiers: MedGen C0950123, MeSH D030342.

Submission:

Ambry Genetics
Classification: Uncertain significance for Inborn genetic diseases. Last evaluated: 2025-04-24. Review status: criteria provided, single submitter. Criteria: Ambry Variant Classification Scheme 2023. Collection method: clinical testing. Allele origin: germline.
Comment: The p.S194Y variant (also known as c.581C>A), located in coding exon 3 of the ERCC6L2 gene, results from a C to A substitution at nucleotide position 581. The serine at codon 194 is replaced by tyrosine, an amino acid with dissimilar properties. This amino acid position is conserved. In addition, this alteration is predicted to be tolerated by in silico analysis. Based on the available evidence, the clinical significance of this variant remains unclear.